The following is an entry in ClinVar:

ClinVar aggregate classification (germline): Uncertain significance. Review status: criteria provided, multiple submitters, no conflicts (2 of 4 stars). 14 submissions from 14 submitters: Uncertain significance (13). 1 of the submissions does not count toward it. Last evaluated 2026-09-02.

Conditions:
CFTR-related disorder (CFTR-RD). Also called: CFTR-related condition; CFTR-related disorders. Identifiers: MedGen C5924204, MONDO:7770004.
Bronchiectasis with or without elevated sweat chloride 1 (BESC1). Also called: Cystic Fibrosis-Like Syndrome. Identifiers: Orphanet 60033, MedGen C2749757, MONDO:0008887, OMIM 211400.
Congenital bilateral aplasia of vas deferens from CFTR mutation (CBAVD). Identifiers: Orphanet 48, MedGen C0403814, MONDO:0010178, OMIM 277180. Disease mechanism: loss of function.
Hereditary pancreatitis (PCTT). Also called: PRSS1-Related Hereditary Pancreatitis; Hereditary chronic pancreatitis. Identifiers: Orphanet 676, MedGen C0238339, MONDO:0008185, OMIM 167800.
Cystic fibrosis (CF). Also called: MUCOVISCIDOSIS. Identifiers: Orphanet 586, MedGen C0010674, MONDO:0009061, OMIM 219700. Disease mechanism: loss of function.

Allele frequency attached by ClinVar (database versions not stated): gnomAD 0.00003; TOPMed 0.00003; ESP Exome Variant Server 0.00008; ExAC 0.00011.
gnomAD v4.1: 40 of 1,521,040 alleles (0.0026%); highest among the groups gnomAD compares: Admixed American, 0.078%; no homozygotes.

Submissions (14):

GeneDx
Classification: Uncertain significance. Last evaluated: 2026-09-02. Review status: criteria provided, single submitter. Criteria: GeneDx Variant Classification Process June 2021. Collection method: clinical testing. Allele origin: germline.
Comment: In silico analysis supports that this missense variant has a deleterious effect on protein structure/function; This variant is associated with the following publications: (PMID: 29216686, 20932301, 9736778, 12940920, 26277102, 25735457, 10878476, 35652053, 38388235, 36409994, 34996830, 38695616, 39532587)

Women's Health and Genetics/Laboratory Corporation of America, LabCorp
Classification: Uncertain significance. Last evaluated: 2026-06-15. Review status: criteria provided, single submitter. Criteria: LabCorp Variant Classification Summary - May 2015. Collection method: clinical testing. Allele origin: germline.
Comment: Variant summary: CFTR c.2374C>G (p.Arg792Gly) results in a non-conservative amino acid change located in the CFTR regulator domain (IPR025837) of the encoded protein sequence. Algorithms developed to predict the effect of missense changes on protein structure and function are either unavailable or do not agree on the potential impact of this missense change. The variant allele was found at a frequency of 0.00013 in 181538 control chromosomes. This frequency is not significantly higher than estimated for disease-causing variants in CFTR, allowing no conclusion about variant significance. c.2374C>G has been observed in individual(s) affected with Congenital Bilateral Absence Of The Vas Deferens, Cystic Fibrosis, or identified as having CFTR-related metabolic syndrome/CF screen positive, inconclusive diagnosis based on newborn screening programs (e.g. Vankeerberghen_1998, Dorfman_2010, Green_2010, Salinas_2023, Sadeghi_2025). However, these data do not allow any conclusion about variant significance. At least two publications report experimental evidence evaluating an impact on protein function (Vankeerberghen_1998, Bihler_2024). The most pronounced variant effect resulted in approximately 20% of normal chloride channel conductance relative to wild type (Bihler_2024). The following publications have been ascertained in the context of this evaluation (PMID: 38388235, 20059485, 20932301, 38695616, 25735457, 10878476, 12940920, 36409994, 9736778, 26277102, 29216686, 39532587). ClinVar contains an entry for this variant (Variation ID: 35840). Based on the evidence outlined above, the variant was classified as VUS-possibly pathogenic.

PreventionGenetics, part of Exact Sciences
Classification: Uncertain significance for CFTR-related condition. Last evaluated: 2026-04-20. Review status: criteria provided, single submitter. Criteria: ACMG Guidelines, 2015. Collection method: clinical testing. Allele origin: germline.
Comment: The CFTR c.2374C>G variant is predicted to result in the amino acid substitution p.Arg792Gly. This p.Arg792Gly change has been reported in a compound heterozygous individual with congenital bilateral absence of the vas deferens and functional studies suggest it may affect CFTR chloride channel function (Ravnik-Glavac et al. 2000. PubMed ID: 10878476; Vankeerberghen et al 1998. PubMed ID: 9736778). This variant is reported in 0.095% of alleles in individuals of Latino descent in gnomAD. This variant has an interpretation of uncertain significance in ClinVar (Variation ID: 35840). At this time, its clinical significance is uncertain due to the absence of conclusive functional and genetic evidence.

Mayo Clinic Laboratories, Mayo Clinic
Classification: Uncertain significance. Last evaluated: 2025-06-25. Review status: criteria provided, single submitter. Criteria: ACMG Guidelines, 2015. Collection method: clinical testing. Allele origin: germline. Observed: 2 variant alleles.
Comment: PP3

ARUP Laboratories, Molecular Genetics and Genomics, ARUP Laboratories
Classification: Uncertain significance. Last evaluated: 2025-06-23. Review status: criteria provided, single submitter. Criteria: ARUP Molecular Germline Variant Investigation Process 2024. Collection method: clinical testing. Allele origin: germline.
Comment: The CFTR c.2374C>G; p.Arg792Gly variant (rs145449046, Variation ID: 35840) has been described in the compound heterozygous state in one individual with congenital bilateral absence of the vas deferens (Ravnik-Glavac 2000). This variant is found in the Admixed American population with an allele frequency of 0.095% (21/22002 alleles) in the Genome Aggregation Database (v2.1.1). Computational analyses are uncertain whether this variant is neutral or deleterious (REVEL: 0.658). In vitro functional studies of the variant protein demonstrate reduced chloride current and disruption of a consensus recognition site used for CFTR activation (Vankeerberghen 1998). However, due to limited clinical information regarding this variant, the clinical significance of this variant is uncertain at this time. References: Ravnik-Glavac M et al. Two novel missense mutations (R766M and R792G) in exon 13 of the CFTR gene in a patient with congenital bilateral absence of the vas deferens. Hum Hered. 2000 Sep-Oct;50(5):318-9. PMID: 10878476 Vankeerberghen A et al. Characterization of 19 disease-associated missense mutations in the regulatory domain of the cystic fibrosis transmembrane conductance regulator. Hum Mol Genet. 1998 Oct;7(11):1761-9. PMID: 9736778

Ambry Genetics
Classification: Uncertain significance for Cystic fibrosis. Last evaluated: 2023-10-31. Review status: criteria provided, single submitter. Criteria: Ambry Variant Classification Scheme 2023. Collection method: clinical testing. Allele origin: germline.
Comment: The p.R792G variant (also known as c.2374C>G), located in coding exon 14 of the CFTR gene, results from a C to G substitution at nucleotide position 2374. The arginine at codon 792 is replaced by glycine, an amino acid with dissimilar properties. In vitro studies demonstrated that the variant significantly reduces chloride current and open probabilities of the channel, but still retains approximately 50% of channel activity (Vankeerberghen A et al. Hum. Mol. Genet., 1998 Oct;7:1761-9). This amino acid position is highly conserved in available vertebrate species. In addition, this alteration is predicted to be deleterious by in silico analysis. Since supporting evidence is limited at this time, the clinical significance of this alteration remains unclear.

Labcorp Genetics (formerly Invitae), Labcorp
Classification: Uncertain significance for Cystic fibrosis. Last evaluated: 2022-10-05. Review status: criteria provided, single submitter. Criteria: Invitae Variant Classification Sherloc (09022015). Collection method: clinical testing. Allele origin: germline.
Comment: This sequence change replaces arginine, which is basic and polar, with glycine, which is neutral and non-polar, at codon 792 of the CFTR protein (p.Arg792Gly). This variant is present in population databases (rs145449046, gnomAD 0.09%). This missense change has been observed in individual(s) with CFTR-related conditions (PMID: 9736778). ClinVar contains an entry for this variant (Variation ID: 35840). Advanced modeling of protein sequence and biophysical properties (such as structural, functional, and spatial information, amino acid conservation, physicochemical variation, residue mobility, and thermodynamic stability) performed at Invitae indicates that this missense variant is not expected to disrupt CFTR protein function. Experimental studies have shown that this missense change affects CFTR function (PMID: 9736778). In summary, the available evidence is currently insufficient to determine the role of this variant in disease. Therefore, it has been classified as a Variant of Uncertain Significance.

Fulgent Genetics
Classification: Uncertain significance for Hereditary pancreatitis; Bronchiectasis with or without elevated sweat chloride 1; Cystic fibrosis; Congenital bilateral aplasia of vas deferens from CFTR mutation. Last evaluated: 2022-05-09. Review status: criteria provided, single submitter. Criteria: ACMG Guidelines, 2015. Collection method: clinical testing. Allele origin: unknown.

Genome-Nilou Lab
Classification: Uncertain significance for Cystic fibrosis. Last evaluated: 2021-09-05. Review status: criteria provided, single submitter. Criteria: ACMG Guidelines, 2015. Collection method: clinical testing. Allele origin: germline. Affected: no.

Blueprint Genetics
Classification: Uncertain significance. Last evaluated: 2021-07-12. Review status: criteria provided, single submitter. Criteria: ACMG Guidelines, 2015. Collection method: clinical testing. Allele origin: germline.

Sema4
Classification: Uncertain significance for Hereditary pancreatitis. Last evaluated: 2021-05-04. Review status: criteria provided, single submitter. Criteria: Sema4 Curation Guidelines. Collection method: curation. Allele origin: germline.
Comment: The CFTR c.2374C>G (p.R792G) variant has been reported as compound heterozygous in at least one individual with congenital bilateral absence of the vas deferens (PMID: 9736778) as well as in an individual with cystic fibrosis (genotype unknown; PMID: 20932301). This variant involves a highly conserved amino acid, and computational analyses do not provide strong support for or against an impact to the protein. Functional studies have shown that this variant alters the CFTR channel conductance in Xenopus oocytes (PMID: 9736778). This variant was observed in 21/22002 chromosomes in the Latino population, with no homozygotes, according to the Genome Aggregation Database (PMID: 32461654) and has been reported in ClinVar (Variation ID: 35840). Based on the current evidence available, this variant is interpreted as a variant of uncertain significance.

Eurofins Ntd Llc (ga)
Classification: Uncertain significance. Last evaluated: 2018-06-12. Review status: criteria provided, single submitter. Criteria: EGL ClinVar v180209 classification definitions. Collection method: clinical testing. Allele origin: germline. Observed: 13 variant alleles, 13 heterozygotes.

Breakthrough Genomics
Classification: Uncertain significance. Review status: criteria provided, single submitter. Criteria: ACMG Guidelines, 2015. Collection method: not provided. Allele origin: germline. Inheritance: Autosomal recessive inheritance. Affected: yes.

Natera, Inc.
Classification: Uncertain significance for Cystic Fibrosis. Last evaluated: 2020-09-16. Review status: no assertion criteria provided. Collection method: clinical testing. Allele origin: germline. Not counted in ClinVar's aggregate classification.

Literature cited by the submitters: PubMed 12940920 (cited by Women's Health and Genetics/Laboratory Corporation of America, LabCorp); PubMed 9736778 (cited by 5 submitters); PubMed 20059485 (cited by Women's Health and Genetics/Laboratory Corporation of America, LabCorp); PubMed 10878476 (cited by 3 submitters); PubMed 20932301 (cited by Women's Health and Genetics/Laboratory Corporation of America, LabCorp and Sema4); PubMed 25735457 (cited by Women's Health and Genetics/Laboratory Corporation of America, LabCorp); PubMed 26277102 (cited by Women's Health and Genetics/Laboratory Corporation of America, LabCorp and Ambry Genetics); PubMed 29216686 (cited by 3 submitters); PubMed 36409994 (cited by Women's Health and Genetics/Laboratory Corporation of America, LabCorp and Mayo Clinic Laboratories, Mayo Clinic); PubMed 38388235 (cited by Women's Health and Genetics/Laboratory Corporation of America, LabCorp and Mayo Clinic Laboratories, Mayo Clinic); PubMed 38695616 (cited by Women's Health and Genetics/Laboratory Corporation of America, LabCorp and Mayo Clinic Laboratories, Mayo Clinic); PubMed 39532587 (cited by Women's Health and Genetics/Laboratory Corporation of America, LabCorp); PubMed 1716180 (cited by Ambry Genetics).

NM_000492.4(CFTR):c.2374C>G (p.Arg792Gly)

Gene: CFTR (CF transmembrane conductance regulator; plus strand). Cytogenetic location: 7q31.2.
Variant type: single nucleotide variant.
Coding change: c.2374C>G on transcript NM_000492.4 (MANE Select); coding-DNA position 2374, C replaced by G.
Protein change: p.Arg792Gly; replaces arginine 792 with glycine.
Molecular consequence: missense variant.
Genome position (GRCh38, 1-based): chr7:117,592,541, C>G. VCF-style: chr7-117592541-C-G. GRCh37 (hg19) VCF-style: chr7-117232595-C-G.
Other names: short protein forms R792G.
Identifiers: ClinVar variation 35840 (VCV000035840.38), dbSNP rs145449046, ClinGen allele CA326806.